The following is an entry in ClinVar:

NC_000002.11:g.(?_179485819)_(179486745_?)dup

Gene: TTN (titin; minus strand). Cytogenetic location: 2q31.2.
Variant type: Duplication.
Identifiers: ClinVar variation 1062484 (VCV001062484.1).

ClinVar aggregate classification (germline): Uncertain significance (1 of 4 stars; one submission).

Conditions:
Dilated cardiomyopathy 1G (CMD1G). Identifiers: Orphanet 154, MedGen C1858763, MONDO:0011400, OMIM 604145.
Autosomal recessive limb-girdle muscular dystrophy type 2J (LGMDR10). Also called: Limb-girdle muscular dystrophy, type 2J; MUSCULAR DYSTROPHY, LIMB-GIRDLE, AUTOSOMAL RECESSIVE 10. Identifiers: Orphanet 140922, MedGen C1837342, MONDO:0012127, OMIM 608807.

Submission:

Labcorp Genetics (formerly Invitae), Labcorp
Classification: Uncertain significance for Dilated cardiomyopathy 1G; Autosomal recessive limb-girdle muscular dystrophy type 2J. Last evaluated: 2020-01-13. Review status: criteria provided, single submitter. Criteria: Invitae Variant Classification Sherloc (09022015). Collection method: clinical testing. Allele origin: germline.
Comment: This variant results in a copy number gain of the genomic region encompassing exons 244-246 of the TTN gene. While the exact position of this variant cannot be determined from this data, sub-genic copy number gains are generally in tandem (PMID: 25640679) and may result in an absent or disrupted protein product. This variant has not been reported in the literature in individuals with TTN-related conditions. This variant identified in the TTN gene is located in the I band of the resulting protein (PMID: 25589632). It is unclear how this variant impacts the function of this protein. In summary, the available evidence is currently insufficient to determine the role of this variant in disease. Therefore, it has been classified as a Variant of Uncertain Significance.

Literature cited by the submitters: PubMed 25640679; PubMed 25589632.